The following is an entry in ClinVar:

NM_018297.4(NGLY1):c.1600_1601del (p.Asp534fs)

Gene: NGLY1 (N-glycanase 1; minus strand). Cytogenetic location: 3p24.2.
Variant type: Deletion.
Coding change: c.1600_1601del on transcript NM_018297.4 (MANE Select); coding-DNA positions 1600 to 1601, 2 bases deleted (GA; older notation c.1600_1601delGA).
Protein change: p.Asp534fs; shifts the reading frame from aspartic acid 534.
Molecular consequence: frameshift variant.
Genome position (GRCh38, 1-based): chr3:25,729,143-25,729,144, TC deleted on the plus strand (GA on the coding strand, the reverse complement: NGLY1 is on the minus strand); deleting any 2 consecutive bases within chr3:25,729,143-25,729,145 gives the same sequence; the c. name uses the placement nearest the transcript's 3' end. VCF-style (leftmost placement, unchanged base first): chr3-25729142-GTC-G. GRCh37 (hg19) VCF-style: chr3-25770633-GTC-G.
Other names: c.1546_1547del, p.Asp516fs (NM_001145293.2); c.1474_1475del, p.Asp492fs (NM_001145294.2); c.1600_1601del, p.Asp534fs (NM_001145295.2); short protein forms D492fs, D516fs, D534fs.
Identifiers: ClinVar variation 4293644 (VCV004293644.1).

ClinVar aggregate classification (germline): Pathogenic (1 of 4 stars; one submission).

Conditions:
Congenital disorder of deglycosylation 1. Also called: NGLY1-deficiency; NGLY1-Related Congenital Disorder of Deglycosylation. Identifiers: Orphanet 404454, MedGen CN306977, MONDO:0800044, OMIM 615273.

Submission:

3billion
Classification: Pathogenic for Congenital disorder of deglycosylation 1. Last evaluated: 2024-06-20. Review status: criteria provided, single submitter. Criteria: ACMG Guidelines, 2015. Collection method: clinical testing. Allele origin: germline. Affected: yes.
Comment: The variant is not observed in the gnomAD v4.0.0 dataset. Predicted Consequence/Location: Frameshift: predicted to result in a loss or disruption of normal protein function through nonsense-mediated decay (NMD) or protein truncation. Multiple pathogenic variants are reported downstream of the variant. Therefore, this variant is classified as Pathogenic according to the recommendation of ACMG/AMP guideline.